The following is an entry in ClinVar:

ClinVar aggregate classification (germline): Uncertain significance (1 of 4 stars; one submission).

Conditions:
Early-infantile DEE. Also called: Early infantile epileptic encephalopathy; Ohtahara syndrome; Early infantile epileptic encephalopathy with suppression bursts. Identifiers: Orphanet 1934, MedGen C0393706, MONDO:0800491.

Allele frequency attached by ClinVar (database versions not stated): gnomAD exomes below 0.00001.
gnomAD v4.1: 3 of 1,614,164 alleles (0.00019%); highest among the groups gnomAD compares: Non-Finnish European, 0.00025%; no homozygotes.

Submission:

Labcorp Genetics (formerly Invitae), Labcorp
Classification: Uncertain significance for Early-infantile DEE. Last evaluated: 2023-12-16. Review status: criteria provided, single submitter. Criteria: Invitae Variant Classification Sherloc (09022015). Collection method: clinical testing. Allele origin: germline.
Comment: This sequence change replaces valine, which is neutral and non-polar, with isoleucine, which is neutral and non-polar, at codon 1480 of the SPTAN1 protein (p.Val1480Ile). This variant is not present in population databases (gnomAD no frequency). This variant has not been reported in the literature in individuals affected with SPTAN1-related conditions. ClinVar contains an entry for this variant (Variation ID: 1912186). Advanced modeling of protein sequence and biophysical properties (such as structural, functional, and spatial information, amino acid conservation, physicochemical variation, residue mobility, and thermodynamic stability) has been performed at Invitae for this missense variant, however the output from this modeling did not meet the statistical confidence thresholds required to predict the impact of this variant on SPTAN1 protein function. In summary, the available evidence is currently insufficient to determine the role of this variant in disease. Therefore, it has been classified as a Variant of Uncertain Significance.

NM_001130438.3(SPTAN1):c.4438G>A (p.Val1480Ile)

Gene: SPTAN1 (spectrin alpha, non-erythrocytic 1; plus strand). Cytogenetic location: 9q34.11.
Variant type: single nucleotide variant.
Coding change: c.4438G>A on transcript NM_001130438.3 (MANE Select); coding-DNA position 4438, G replaced by A.
Protein change: p.Val1480Ile; replaces valine 1480 with isoleucine.
Molecular consequence: missense variant.
Genome position (GRCh38, 1-based): chr9:128,608,223, G>A. VCF-style: chr9-128608223-G-A. GRCh37 (hg19) VCF-style: chr9-131370502-G-A.
Other names: c.4378G>A, p.Val1460Ile (NM_001195532.2, NM_001363765.2, NM_001375314.2); c.4438G>A, p.Val1480Ile (NM_001363759.2, NM_001375310.1, NM_001375311.2 and 2 more transcripts); c.4474G>A, p.Val1492Ile (NM_001375312.2, NM_001375318.1); short protein forms V1492I, V1460I, V1480I.
Identifiers: ClinVar variation 1912186 (VCV001912186.5), dbSNP rs1589311330, ClinGen allele CA375067193.
Genomic context (GRCh38, chr9:128,608,223, plus strand): 5'-TGGATGGCTGCCCGGGAGGCCTTCTTGAATACCGAAGACAAAGGAGACTCACTGGACAGC[G>A]TAGAGGCTCTGATCAAAAAACATGAAGACTTTGACAAAGCGATTAACGTCCAGGTGAGGC-3'
Protein context (NP_001123910.1, residues 1470-1490): TEDKGDSLDS[Val1480Ile]EALIKKHEDF